The following is an entry in ClinVar:

NC_000007.13:g.(?_56079455)_(56174106_?)dup

Genes: CCT6A (chaperonin containing TCP1 subunit 6A; plus strand), CHCHD2 (coiled-coil-helix-coiled-coil-helix domain containing 2; minus strand), PHKG1 (phosphorylase kinase catalytic subunit gamma 1; minus strand), PSPH (phosphoserine phosphatase; minus strand), SUMF2 (sulfatase modifying factor 2; plus strand). Cytogenetic location: 7p11.2.
Variant type: Duplication.
Identifiers: ClinVar variation 1467711 (VCV001467711.4).

ClinVar aggregate classification (germline): Uncertain significance (1 of 4 stars; one submission).

Conditions:
Deficiency of phosphoserine phosphatase (PSPHD). Also called: PSPH deficiency; Phosphoserine phosphatase deficiency. Identifiers: Orphanet 79350, MedGen C1291463, MONDO:0013531, OMIM 614023.

Submission:

Labcorp Genetics (formerly Invitae), Labcorp
Classification: Uncertain significance for Deficiency of phosphoserine phosphatase. Last evaluated: 2022-06-29. Review status: criteria provided, single submitter. Criteria: Invitae Variant Classification Sherloc (09022015). Collection method: clinical testing. Allele origin: germline.
Comment: A copy number gain of the genomic region encompassing the full coding sequence of the PSPH gene has been identified. The boundaries of this event are unknown as they extend beyond the assayed region for this gene and therefore may encompass additional genes. As the precise location of this event is unknown, it may be in tandem or it may be located elsewhere in the genome. This variant has not been reported in the literature in individuals affected with PSPH-related conditions. In summary, the available evidence is currently insufficient to determine the role of this variant in disease. Therefore, it has been classified as a Variant of Uncertain Significance.